The following is an entry in ClinVar:

ClinVar aggregate classification (germline): Pathogenic (1 of 4 stars; one submission).

Conditions:
Deficiency of ferroxidase (ACEP). Also called: Aceruloplasminemia; Ceruloplasmin deficiency; Familial apoceruloplasmin deficiency; Hereditary ceruloplasmin deficiency; Deficiency of ceruloplasmin; NEURODEGENERATION WITH BRAIN IRON ACCUMULATION 10. Identifiers: Orphanet 48818, MedGen C0878682, MONDO:0011426, OMIM 604290, HP:0025498.

Submission:

Labcorp Genetics (formerly Invitae), Labcorp
Classification: Pathogenic for Deficiency of ferroxidase. Last evaluated: 2022-03-13. Review status: criteria provided, single submitter. Criteria: Invitae Variant Classification Sherloc (09022015). Collection method: clinical testing. Allele origin: unknown.
Comment: For these reasons, this variant has been classified as Pathogenic. This variant has not been reported in the literature in individuals affected with CP-related conditions. This variant is a gross deletion of the genomic region encompassing exon(s) 1 of the CP gene, which includes the initiator codon. This deletion extends beyond the assayed region for this gene and therefore may encompass additional genes. It is expected to result in an absent or disrupted protein product. Loss-of-function variants in CP are known to be pathogenic (PMID: 16629161).

Literature cited by the submitters: PubMed 16629161.

NC_000003.11:g.(?_148939414)_(148939579_?)del

Gene: CP (ceruloplasmin; minus strand). Cytogenetic location: 3q25.1.
Variant type: Deletion.
Identifiers: ClinVar variation 3246875 (VCV003246875.1).